The following is an entry in ClinVar:

ClinVar aggregate classification (germline): Pathogenic (1 of 4 stars; one submission).

Conditions:
Neurofibromatosis, type 1 (NF1). Also called: Neurofibromatosis, type I; NEUROFIBROMATOSIS, TYPE I, SOMATIC; Peripheral type neurofibromatosis; VON RECKLINGHAUSEN DISEASE. Identifiers: Orphanet 636, MedGen C0027831, MONDO:0018975, OMIM 162200. Disease mechanism: loss of function.

Submission:

Labcorp Genetics (formerly Invitae), Labcorp
Classification: Pathogenic for Neurofibromatosis, type 1. Last evaluated: 2023-06-17. Review status: criteria provided, single submitter. Criteria: Invitae Variant Classification Sherloc (09022015). Collection method: clinical testing. Allele origin: germline.
Comment: For these reasons, this variant has been classified as Pathogenic. This variant has not been reported in the literature in individuals affected with NF1-related conditions. This variant is not present in population databases (gnomAD no frequency). This sequence change creates a premature translational stop signal (p.Leu109Alafs*18) in the NF1 gene. It is expected to result in an absent or disrupted protein product. Loss-of-function variants in NF1 are known to be pathogenic (PMID: 10712197, 23913538).

Literature cited by the submitters: PubMed 10712197; PubMed 23913538.

NM_001042492.3(NF1):c.324dup (p.Leu109fs)

Gene: NF1 (neurofibromin 1; plus strand). Cytogenetic location: 17q11.2.
Variant type: Duplication.
Coding change: c.324dup on transcript NM_001042492.3 (MANE Select); coding-DNA position 324, one base duplicated (G; older notation c.324dupG).
Protein change: p.Leu109fs; shifts the reading frame from leucine 109.
Molecular consequence: frameshift variant.
Genome position (GRCh38, 1-based): chr17:31,163,221, G duplicated. VCF-style (leftmost placement, unchanged base first): chr17-31163220-T-TG. GRCh37 (hg19) VCF-style: chr17-29490238-T-TG.
Other names: c.324dup, p.Leu109Alafs (NM_000267.4); c.324dup, p.Leu109fs (NM_001128147.3); short protein forms L109fs.
Identifiers: ClinVar variation 2718144 (VCV002718144.3), dbSNP rs2544700348, ClinGen allele CA2697559756.